The following is an entry in ClinVar:

ClinVar aggregate classification (germline): Uncertain significance (1 of 4 stars; one submission).

Submission:

Ambry Genetics
Classification: Uncertain significance. Last evaluated: 2024-10-11. Review status: criteria provided, single submitter. Criteria: Ambry Variant Classification Scheme 2023. Collection method: clinical testing. Allele origin: germline.
Comment: The p.R100G variant (also known as c.298C>G), located in coding exon 1 of the EGLN1 gene, results from a C to G substitution at nucleotide position 298. The arginine at codon 100 is replaced by glycine, an amino acid with dissimilar properties. This amino acid position is conserved. In addition, this alteration is predicted to be tolerated by in silico analysis. Based on the available evidence, the clinical significance of this variant remains unclear.

NM_022051.3(EGLN1):c.298C>G (p.Arg100Gly)

Gene: EGLN1 (egl-9 family hypoxia inducible factor 1; minus strand). Cytogenetic location: 1q42.2.
Variant type: single nucleotide variant.
Coding change: c.298C>G on transcript NM_022051.3 (MANE Select); coding-DNA position 298, C replaced by G.
Protein change: p.Arg100Gly; replaces arginine 100 with glycine.
Molecular consequence: missense variant.
Genome position (GRCh38, 1-based): chr1:231,421,591, G>C on the plus strand (C>G on the coding strand, the complement: EGLN1 is on the minus strand). VCF-style: chr1-231421591-G-C. GRCh37 (hg19) VCF-style: chr1-231557337-G-C.
Other names: c.298C>G, p.Arg100Gly (NM_001377260.1, NM_001377261.1); short protein forms R100G.
Identifiers: ClinVar variation 3507232 (VCV003507232.1).